The following is an entry in ClinVar:

NM_015404.4(WHRN):c.464G>C (p.Ser155Thr)

Gene: WHRN (whirlin; minus strand). Cytogenetic location: 9q32.
Variant type: single nucleotide variant.
Coding change: c.464G>C on transcript NM_015404.4 (MANE Select); coding-DNA position 464, G replaced by C.
Protein change: p.Ser155Thr; replaces serine 155 with threonine.
Molecular consequence: missense variant.
Genome position (GRCh38, 1-based): chr9:114,504,338, C>G on the plus strand (G>C on the coding strand, the complement: WHRN is on the minus strand). VCF-style: chr9-114504338-C-G. GRCh37 (hg19) VCF-style: chr9-117266618-C-G.
Other names: c.464G>C, p.Ser155Thr (NM_001173425.2); short protein forms S155T.
Identifiers: ClinVar variation 1517709 (VCV001517709.8), dbSNP rs2133474681, ClinGen allele CA374612223.

ClinVar aggregate classification (germline): Uncertain significance (1 of 4 stars; one submission).

Submission:

Labcorp Genetics (formerly Invitae), Labcorp
Classification: Uncertain significance. Last evaluated: 2020-12-21. Review status: criteria provided, single submitter. Criteria: Invitae Variant Classification Sherloc (09022015). Collection method: clinical testing. Allele origin: germline.
Comment: This sequence change replaces serine with threonine at codon 155 of the WHRN protein (p.Ser155Thr). The serine residue is highly conserved and there is a small physicochemical difference between serine and threonine. This variant is not present in population databases (ExAC no frequency). This variant has not been reported in the literature in individuals with WHRN-related conditions. Algorithms developed to predict the effect of missense changes on protein structure and function are either unavailable or do not agree on the potential impact of this missense change (SIFT: "Tolerated"; PolyPhen-2: "Probably Damaging"; Align-GVGD: "Class C0"). In summary, the available evidence is currently insufficient to determine the role of this variant in disease. Therefore, it has been classified as a Variant of Uncertain Significance.